The following is an entry in ClinVar:

NM_198253.3(TERT):c.3213G>T (p.Gln1071His)

Gene: TERT (telomerase reverse transcriptase; minus strand). Cytogenetic location: 5p15.33.
Variant type: single nucleotide variant.
Coding change: c.3213G>T on transcript NM_198253.3 (MANE Select); coding-DNA position 3213, G replaced by T.
Protein change: p.Gln1071His; replaces glutamine 1071 with histidine.
Molecular consequence: missense variant. On other transcripts: non-coding transcript variant (2).
Genome position (GRCh38, 1-based): chr5:1,254,450, C>A on the plus strand (G>T on the coding strand, the complement: TERT is on the minus strand). VCF-style: chr5-1254450-C-A. GRCh37 (hg19) VCF-style: chr5-1254565-C-A.
Other names: c.3024G>T, p.Gln1008His (NM_001193376.3); short protein forms Q1008H, Q1071H.
Identifiers: ClinVar variation 655084 (VCV000655084.9), dbSNP rs1579542670, ClinGen allele CA359067399.
Genomic context (GRCh38, chr5:1,254,450, plus strand): 5'-TGGCACGTAGGTGACACGGTGTCGAGTCAGCTTGAGCAGGAATGCTTGGTGGCACAGCCA[C>A]TGCACGGCCTCGGAGGGCAGAGGGCCGGCGGCGCCCTTGGCCCCCAGCGACATCCCTGGG-3'
Protein context (NP_937983.2, residues 1061-1081): AAGPLPSEAV[Gln1071His]WLCHQAFLLK

ClinVar aggregate classification (germline): Uncertain significance (1 of 4 stars; one submission).

Conditions:
Idiopathic Pulmonary Fibrosis. Also called: Idiopathic fibrosing alveolitis, chronic form; idiopathic fibrosing alveolitis. Identifiers: Orphanet 2032, MedGen C1800706, MeSH D054990, MONDO:0800504.
Dyskeratosis congenita, autosomal dominant 2. Identifiers: MedGen C3151443, MONDO:0013521, OMIM 613989.

Allele frequency attached by ClinVar (database versions not stated): gnomAD exomes below 0.00001.
gnomAD v4.1: 2 of 1,613,106 alleles (0.00012%); highest among the groups gnomAD compares: East Asian, 0.0045%; no homozygotes.

Submission:

Labcorp Genetics (formerly Invitae), Labcorp
Classification: Uncertain significance for Dyskeratosis congenita, autosomal dominant 2; Idiopathic Pulmonary Fibrosis. Last evaluated: 2022-01-14. Review status: criteria provided, single submitter. Criteria: Invitae Variant Classification Sherloc (09022015). Collection method: clinical testing. Allele origin: germline.
Comment: This sequence change replaces glutamine, which is neutral and polar, with histidine, which is basic and polar, at codon 1071 of the TERT protein (p.Gln1071His). In summary, the available evidence is currently insufficient to determine the role of this variant in disease. Therefore, it has been classified as a Variant of Uncertain Significance. Advanced modeling of protein sequence and biophysical properties (such as structural, functional, and spatial information, amino acid conservation, physicochemical variation, residue mobility, and thermodynamic stability) performed at Invitae indicates that this missense variant is not expected to disrupt TERT protein function. ClinVar contains an entry for this variant (Variation ID: 655084). This variant has not been reported in the literature in individuals affected with TERT-related conditions. This variant is not present in population databases (gnomAD no frequency).